The following is an entry in ClinVar:

ClinVar aggregate classification (germline): Uncertain significance (1 of 4 stars; one submission).

Conditions:
Cardiovascular phenotype. Identifiers: MedGen CN230736.

Submission:

Ambry Genetics
Classification: Uncertain significance for Cardiovascular phenotype. Last evaluated: 2025-03-25. Review status: criteria provided, single submitter. Criteria: Ambry Variant Classification Scheme 2023. Collection method: clinical testing. Allele origin: germline.
Comment: The c.2919_2920dupTA variant, located in coding exon 8 of the AKAP9 gene, results from a duplication of TA at nucleotide position 2919, causing a translational frameshift with a predicted alternate stop codon (p.S974Ifs*4). This alteration is expected to result in protein truncation or nonsense-mediated mRNA decay. However, loss of function of AKAP9 has not been established as a mechanism of disease. The evidence for this gene-disease relationship is limited; therefore, the clinical significance of this alteration is unclear.

NM_005751.5(AKAP9):c.2919_2920dup (p.Ser974fs)

Gene: AKAP9 (A-kinase anchoring protein 9; plus strand). Cytogenetic location: 7q21.2.
Variant type: Duplication.
Coding change: c.2919_2920dup on transcript NM_005751.5 (MANE Select); coding-DNA positions 2919 to 2920, 2 bases duplicated (TA; older notation c.2919_2920dupTA).
Protein change: p.Ser974fs; shifts the reading frame from serine 974.
Molecular consequence: frameshift variant.
Genome position (GRCh38, 1-based): chr7:92,002,836-92,002,837, TA duplicated. VCF-style (leftmost placement, unchanged base first): chr7-92002835-T-TTA. GRCh37 (hg19) VCF-style: chr7-91632149-T-TTA.
Other names: c.2919_2920dup, p.Ser974fs (NM_147185.3); c.2919_2920dupTA (NM_005751.4); short protein forms S974fs.
Identifiers: ClinVar variation 4033675 (VCV004033675.1).